The following is an entry in ClinVar:

ClinVar aggregate classification (germline): Uncertain significance (1 of 4 stars; one submission).

Conditions:
MCM2-related disorder. Also called: MCM2-related condition.

gnomAD v4.1: 23 of 1,586,340 alleles (0.0014%); highest among the groups gnomAD compares: Admixed American, 0.0052%; no homozygotes.

Submission:

PreventionGenetics, part of Exact Sciences
Classification: Uncertain significance for MCM2-related condition. Last evaluated: 2026-06-23. Review status: criteria provided, single submitter. Criteria: ACMG Guidelines, 2015. Collection method: clinical testing. Allele origin: germline.
Comment: The MCM2 c.2267C>T variant is predicted to result in the amino acid substitution p.Ala756Val. To our knowledge, this variant has not been reported in the literature. This variant is reported in 0.0092% of alleles in individuals of Latino descent in gnomAD. At this time, the clinical significance of this variant is uncertain due to the absence of conclusive functional and genetic evidence.

NM_004526.4(MCM2):c.2267C>T (p.Ala756Val)

Genes: MCM2 (minichromosome maintenance complex component 2; plus strand), LOC107986126 (uncharacterized LOC107986126; minus strand). Cytogenetic location: 3q21.3.
Variant type: single nucleotide variant.
Coding change: c.2267C>T on transcript NM_004526.4 (MANE Select); coding-DNA position 2267, C replaced by T.
Protein change: p.Ala756Val; replaces alanine 756 with valine.
Molecular consequence: missense variant. On other transcripts: non-coding transcript variant (1).
Genome position (GRCh38, 1-based): chr3:127,620,699, C>T. VCF-style: chr3-127620699-C-T. GRCh37 (hg19) VCF-style: chr3-127339542-C-T.
Other names: short protein forms A756V.
Identifiers: ClinVar variation 4977321 (VCV004977321.1).